The following is an entry in ClinVar:

NM_000126.4(ETFA):c.731C>T (p.Ala244Val)

Gene: ETFA (electron transfer flavoprotein subunit alpha; minus strand). Cytogenetic location: 15q24.2.
Variant type: single nucleotide variant.
Coding change: c.731C>T on transcript NM_000126.4 (MANE Select); coding-DNA position 731, C replaced by T.
Protein change: p.Ala244Val; replaces alanine 244 with valine.
Molecular consequence: missense variant.
Genome position (GRCh38, 1-based): chr15:76,283,759, G>A on the plus strand (C>T on the coding strand, the complement: ETFA is on the minus strand). VCF-style: chr15-76283759-G-A. GRCh37 (hg19) VCF-style: chr15-76576100-G-A.
Other names: p.Ala244Val; c.584C>T, p.Ala195Val (NM_001127716.2); short protein forms A195V, A244V.
Identifiers: ClinVar variation 2574571 (VCV002574571.2), dbSNP rs2543019931, ClinGen allele CA393512472.
Genomic context (GRCh38, chr15:76,283,759, plus strand): 5'-AAGAAAAAATATTTCCAACAAAAAGGGAATATCTTTCTACTAAGGAAAATAACTTTACCT[G>A]CAGCATGTAGTTGATCTGCCAAGTCATATAACAACTTAAAGTTCTCTCCACTCTTCAAGC-3'
Protein context (NP_000117.1, residues 234-254): LYDLADQLHA[Ala244Val]VGASRAAVDA

ClinVar aggregate classification (germline): Uncertain significance (1 of 4 stars; one submission).

Conditions:
Multiple acyl-CoA dehydrogenase deficiency (MADD). Also called: ETHYLMALONIC-ADIPICACIDURIA; GA II; Glutaric Acidemia type 2; Glutaric acidemia type II; GA 2; Glutaric aciduria, type 2. Identifiers: Orphanet 26791, MedGen C0268596, MONDO:0009282, OMIM 231680.

Allele frequency attached by ClinVar (database versions not stated): gnomAD exomes below 0.00001.
gnomAD v4.1: 1 of 1,583,192 alleles (0.000063%); highest among the groups gnomAD compares: Non-Finnish European, 0.000087%; no homozygotes.

Submission:

Foundation for Research in Genetics and Endocrinology, FRIGE's Institute of Human Genetics
Classification: Uncertain significance for Multiple acyl-CoA dehydrogenase deficiency. Last evaluated: 2023-07-31. Review status: criteria provided, single submitter. Criteria: ACMG Guidelines, 2015. Collection method: clinical testing. Allele origin: germline. Inheritance: Autosomal recessive inheritance. Affected: yes. Observed: 1 homozygote.
Comment: The identified homozygous missense substitution (p.Ala244Val) lies in exon 8 of the ETFA gene and alters a conserved residue in the protein. It lies in the domain-II region of the protein. This variant has not been observed in 1000 genomes and gnomAD databases. In silico prediction of the variant is damaging by LRT, SIFT, and Mutation Taster2. The identified variant (c.731C>T) lies 3 nucleotides upstream of an essential splice donor site and is likely to affect splicing or create alternate cryptic splice site (ASSP, MaxEntScan and NNSPLICE). The reference codon is conserved across species.